The following is an entry in ClinVar:

ClinVar aggregate classification (germline): Uncertain significance (1 of 4 stars; one submission).

gnomAD v4.1: 20 of 1,614,146 alleles (0.0012%); highest among the groups gnomAD compares: South Asian, 0.0077%; no homozygotes.

Submission:

Women's Health and Genetics/Laboratory Corporation of America, LabCorp
Classification: Uncertain significance. Last evaluated: 2026-02-17. Review status: criteria provided, single submitter. Criteria: LabCorp Variant Classification Summary - May 2015. Collection method: clinical testing. Allele origin: germline.
Comment: Variant summary: PROKR2 c.404G>A (p.Arg135His) results in a non-conservative amino acid change in the encoded protein sequence. Algorithms developed to predict the effect of missense changes on protein structure and function are either unavailable or do not agree on the potential impact of this missense change. The variant allele was found at a frequency of 2e-05 in 251394 control chromosomes. The available data on variant occurrences in the general population are insufficient to allow any conclusion about variant significance. To our knowledge, no occurrence of c.404G>A in individuals affected with PROKR2-related conditions and no experimental evidence demonstrating its impact on protein function have been reported. No submitters have cited clinical-significance assessments for this variant to ClinVar. Based on the evidence outlined above, the variant was classified as uncertain significance.

NM_144773.4(PROKR2):c.404G>A (p.Arg135His)

Gene: PROKR2 (prokineticin receptor 2; minus strand). Cytogenetic location: 20p12.3.
Variant type: single nucleotide variant.
Coding change: c.404G>A on transcript NM_144773.4 (MANE Select); coding-DNA position 404, G replaced by A.
Protein change: p.Arg135His; replaces arginine 135 with histidine.
Molecular consequence: missense variant.
Genome position (GRCh38, 1-based): chr20:5,313,966, C>T on the plus strand (G>A on the coding strand, the complement: PROKR2 is on the minus strand). VCF-style: chr20-5313966-C-T. GRCh37 (hg19) VCF-style: chr20-5294612-C-T.
Other names: short protein forms R135H.
Identifiers: ClinVar variation 4848297 (VCV004848297.1).